The following is an entry in ClinVar:

NM_000258.3(MYL3):c.421G>T (p.Asp141Tyr)

Gene: MYL3 (myosin light chain 3; minus strand). Cytogenetic location: 3p21.31.
Variant type: single nucleotide variant.
Coding change: c.421G>T on transcript NM_000258.3 (MANE Select); coding-DNA position 421, G replaced by T.
Protein change: p.Asp141Tyr; replaces aspartic acid 141 with tyrosine.
Molecular consequence: missense variant.
Genome position (GRCh38, 1-based): chr3:46,859,535, C>A on the plus strand (G>T on the coding strand, the complement: MYL3 is on the minus strand). VCF-style: chr3-46859535-C-A. GRCh37 (hg19) VCF-style: chr3-46901025-C-A.
Other names: short protein forms D141Y.
Identifiers: ClinVar variation 1171264 (VCV001171264.3), dbSNP rs1483805765, ClinGen allele CA352496080.

ClinVar aggregate classification (germline): Uncertain significance (1 of 4 stars; one submission).

Conditions:
Cardiomyopathy (CMYO). Also called: Cardiomyopathies. Identifiers: Orphanet 167848, MedGen C0878544, MONDO:0004994, HP:0001638. Inheritance: Various modes of inheritance.

Allele frequency attached by ClinVar (database versions not stated): TOPMed below 0.00001.

Submission:

Color Diagnostics, LLC DBA Color Health
Classification: Uncertain significance for Cardiomyopathy. Last evaluated: 2024-03-06. Review status: criteria provided, single submitter. Criteria: ACMG Guidelines, 2015. Collection method: clinical testing. Allele origin: germline.
Comment: This missense variant replaces aspartic acid with tyrosine at codon 141 of the MYL3 protein. Computational prediction suggests that this variant may have deleterious impact on protein structure and function (internally defined REVEL score threshold >= 0.7, PMID: 27666373). To our knowledge, functional studies have not been reported for this variant. This variant has not been reported in individuals affected with cardiovascular disorders in the literature. This variant has not been identified in the general population by the Genome Aggregation Database (gnomAD). The available evidence is insufficient to determine the role of this variant in disease conclusively. Therefore, this variant is classified as a Variant of Uncertain Significance.